The following is an entry in ClinVar:

NC_012920.1(MT-TG):m.10034T>C

Gene: MT-TG (mitochondrially encoded tRNA glycine; plus strand).
Variant type: single nucleotide variant.
Genome position: chrM-10034-T-C.
Identifiers: ClinVar variation 690104 (VCV000690104.3), dbSNP rs41347846, ClinGen allele CA337098672.
Genomic context (GRCh38, chrMT:10,034, plus strand): 5'-CTATTGATGAGGGTCTTACTCTTTTAGTATAAATAGTACCGTTAACTTCCAATTAACTAG[T>C]TTTGACAACATTCAAAAAAGAGTAATAAACTTCGCCTTAATTTTAATAATCAACACCCTC-3'

ClinVar aggregate classification (germline): Benign. Review status: reviewed by expert panel (3 of 4 stars). 3 submissions from 3 submitters: Benign (1). 2 of the submissions do not count toward it. Last evaluated 2022-03-24.

Conditions:
Mitochondrial disease. Also called: Mitochondrial disorder; Mitochondrial disorders. Identifiers: Orphanet 68380, MedGen C0751651, MeSH D028361, MONDO:0044970.
MELAS syndrome (MELAS). Also called: Juvenile myopathy, encephalopathy, lactic acidosis, stroke. Identifiers: Orphanet 550, MedGen C0162671, MONDO:0010789, OMIM 540000.

Submissions (3):

ClinGen Mitochondrial Disease Nuclear and Mitochondrial  Variant Curation Expert Panel, ClinGen
Classification: Benign for Mitochondrial disease. Last evaluated: 2022-03-24. Review status: reviewed by expert panel. Criteria: clingen mito disease acmg specifications v1-1. Collection method: curation. Allele origin: germline. Inheritance: Mitochondrial inheritance.
Comment: The m.10034T>C variant in MT-TG was reviewed by the Mitochondrial Disease Nuclear and Mitochondrial Variant Curation Expert Panel as part of the variant pilot for mitochondrial DNA variant specifications (McCormick et al., 2020; PMID: 32906214). This variant is associated with haplogroup I (almost 100% of individuals in this haplogroup have this variant) and the overall allele frequency in the GenBank database is 1.553% (BA1). Additionally, the computational predictor MitoTIP suggests this variant is benign (6.7th percentile) and HmtVAR predicts it to be polymorphic (BP4). In summary, this variant meets criteria to be classified as benign. This classification was approved by the NICHD U24 Mitochondrial Disease Variant Curation Expert Panel as of August 20, 2020. Mitochondrial DNA-specific ACMG/AMP criteria applied: BA1, BP4.

Laboratory of Genetics, Children's Clinical University Hospital Latvia
Classification: Likely benign. Last evaluated: 2025-02-16. Review status: criteria provided, single submitter. Criteria: ACMG Guidelines, 2015. Collection method: clinical testing. Allele origin: germline. Affected: yes. Not counted in ClinVar's aggregate classification.

Wong Mito Lab, Molecular and Human Genetics, Baylor College of Medicine
Classification: Benign for MELAS syndrome. Last evaluated: 2019-07-12. Review status: criteria provided, single submitter. Criteria: Modified ACMG Guidelines (Unpublished). Collection method: clinical testing. Allele origin: germline. Not counted in ClinVar's aggregate classification.
Comment: The NC_012920.1:m.10034T>C variant in MT-TG gene is interpreted to be a Benign variant based on the modified ACMG guidelines (unpublished). This variant meets the following evidence codes reported in the guidelines: BA1, BP4

Literature cited by the submitters: PubMed 31965079 (cited by Wong Mito Lab, Molecular and Human Genetics, Baylor College of Medicine).